The following is an entry in ClinVar:

NM_001346249.2(RALGAPA1):c.3556A>G (p.Ser1186Gly)

Gene: RALGAPA1 (Ral GTPase activating protein catalytic subunit alpha 1; minus strand). Cytogenetic location: 14q13.2.
Variant type: single nucleotide variant.
Coding change: c.3556A>G on transcript NM_001346249.2 (MANE Select); coding-DNA position 3556, A replaced by G.
Protein change: p.Ser1186Gly; replaces serine 1186 with glycine.
Molecular consequence: missense variant. On other transcripts: intron variant (8).
Genome position (GRCh38, 1-based): chr14:35,688,855, T>C on the plus strand (A>G on the coding strand, the complement: RALGAPA1 is on the minus strand). VCF-style: chr14-35688855-T-C. GRCh37 (hg19) VCF-style: chr14-36158061-T-C.
Other names: c.3415A>G, p.Ser1139Gly (NM_001330075.3, NM_001346248.2); c.2434+981A>G (NM_194301.4, NM_001346246.2, NM_014990.3 and 1 more transcripts); c.2435-315A>G (NM_001283043.3); c.2575+981A>G (NM_001346247.2, NM_001283044.3, NM_001346245.2); short protein forms S1139G, S1186G.
Identifiers: ClinVar variation 2505269 (VCV002505269.1), dbSNP rs1280669524, ClinGen allele CA613385717.

ClinVar aggregate classification (germline): Uncertain significance (1 of 4 stars; one submission).

Allele frequency attached by ClinVar (database versions not stated): gnomAD 0.00005; TOPMed 0.00005; gnomAD exomes 0.00016.
gnomAD v4.1: 186 of 1,291,846 alleles (0.014%); highest among the groups gnomAD compares: Non-Finnish European, 0.018%; no homozygotes.

Submission:

Greenwood Genetic Center Diagnostic Laboratories, Greenwood Genetic Center
Classification: Uncertain significance. Last evaluated: 2023-02-06. Review status: criteria provided, single submitter. Criteria: ACMG Guidelines, 2015. Collection method: clinical testing. Allele origin: germline. Affected: yes.
Comment: PM2